The following is an entry in ClinVar:

NM_000751.3(CHRND):c.650C>T (p.Pro217Leu)

Gene: CHRND (cholinergic receptor nicotinic delta subunit; plus strand). Cytogenetic location: 2q37.1.
Variant type: single nucleotide variant.
Coding change: c.650C>T on transcript NM_000751.3 (MANE Select); coding-DNA position 650, C replaced by T.
Protein change: p.Pro217Leu; replaces proline 217 with leucine.
Molecular consequence: missense variant. On other transcripts: intron variant (1).
Genome position (GRCh38, 1-based): chr2:232,529,969, C>T. VCF-style: chr2-232529969-C-T. GRCh37 (hg19) VCF-style: chr2-233394679-C-T.
Other names: c.605C>T, p.Pro202Leu (NM_001256657.2); c.347C>T, p.Pro116Leu (NM_001311196.2); c.238+1313C>T (NM_001311195.2); short protein forms P217L, P202L, P116L.
Identifiers: ClinVar variation 2146029 (VCV002146029.4), dbSNP rs149439815, ClinGen allele CA2168110.

ClinVar aggregate classification (germline): Uncertain significance (1 of 4 stars; one submission).

Conditions:
Lethal multiple pterygium syndrome (LMPS). Identifiers: Orphanet 33108, MedGen C1854678, MONDO:0009668, OMIM 253290.

Allele frequency attached by ClinVar (database versions not stated): TOPMed 0.00001; gnomAD exomes 0.00002; gnomAD 0.00003; ExAC 0.00005.
gnomAD v4.1: 33 of 1,614,004 alleles (0.002%); highest among the groups gnomAD compares: Admixed American, 0.0067%; no homozygotes.

Submission:

Labcorp Genetics (formerly Invitae), Labcorp
Classification: Uncertain significance for Lethal multiple pterygium syndrome. Last evaluated: 2025-08-11. Review status: criteria provided, single submitter. Criteria: Invitae Variant Classification Sherloc (09022015). Collection method: clinical testing. Allele origin: germline.
Comment: This sequence change replaces proline, which is neutral and non-polar, with leucine, which is neutral and non-polar, at codon 217 of the CHRND protein (p.Pro217Leu). This variant is present in population databases (rs149439815, gnomAD 0.009%). This variant has not been reported in the literature in individuals affected with CHRND-related conditions. ClinVar contains an entry for this variant (Variation ID: 2146029). Invitae Evidence Modeling of protein sequence and biophysical properties (such as structural, functional, and spatial information, amino acid conservation, physicochemical variation, residue mobility, and thermodynamic stability) indicates that this missense variant is expected to disrupt CHRND protein function with a positive predictive value of 95%. In summary, the available evidence is currently insufficient to determine the role of this variant in disease. Therefore, it has been classified as a Variant of Uncertain Significance.